The following is an entry in ClinVar:

NM_004329.3(BMPR1A):c.874dup (p.Ile292fs)

Gene: BMPR1A (bone morphogenetic protein receptor type 1A; plus strand). Cytogenetic location: 10q23.2.
Variant type: Duplication.
Coding change: c.874dup on transcript NM_004329.3 (MANE Select); coding-DNA position 874, one base duplicated (A; older notation c.874dupA).
Protein change: p.Ile292fs; shifts the reading frame from isoleucine 292.
Molecular consequence: frameshift variant.
Genome position (GRCh38, 1-based): chr10:86,919,177, A duplicated. VCF-style (leftmost placement, unchanged base first): chr10-86919176-C-CA. GRCh37 (hg19) VCF-style: chr10-88678933-C-CA.
Other names: c.874dupA (NM_004329.2); short protein forms I292fs.
Identifiers: ClinVar variation 482884 (VCV000482884.5), dbSNP rs1554891016, ClinGen allele CA658657986.

ClinVar aggregate classification (germline): Pathogenic (1 of 4 stars; one submission).

Conditions:
Hereditary cancer-predisposing syndrome. Also called: Neoplastic Syndromes, Hereditary; Tumor predisposition; Hereditary Cancer Syndrome; Hereditary neoplastic syndrome. Identifiers: Orphanet 140162, MedGen C0027672, MeSH D009386, MONDO:0015356.

Submission:

Ambry Genetics
Classification: Pathogenic for Hereditary cancer-predisposing syndrome. Last evaluated: 2017-09-20. Review status: criteria provided, single submitter. Criteria: Ambry Variant Classification Scheme 2023. Collection method: clinical testing. Allele origin: germline.
Comment: The c.874dupA pathogenic mutation, located in coding exon 8 of the BMPR1A gene, results from a duplication of A at nucleotide position 874, causing a translational frameshift with a predicted alternate stop codon (p.I292Nfs*6). This alteration is expected to result in loss of function by premature protein truncation or nonsense-mediated mRNA decay. As such, this alteration is interpreted as a disease-causing mutation.